The following is an entry in ClinVar:

ClinVar aggregate classification (germline): Uncertain significance (1 of 4 stars; one submission).

Conditions:
Gastrointestinal stromal tumor. Also called: Gastrointestinal stromal tumor, somatic; Gastrointestinal stroma tumor. Identifiers: Orphanet 44890, MedGen C0238198, MeSH D046152, MONDO:0011719, OMIM 606764, HP:0100723.

Submission:

Labcorp Genetics (formerly Invitae), Labcorp
Classification: Uncertain significance for Gastrointestinal stromal tumor. Last evaluated: 2023-04-23. Review status: criteria provided, single submitter. Criteria: Invitae Variant Classification Sherloc (09022015). Collection method: clinical testing. Allele origin: germline.
Comment: In summary, the available evidence is currently insufficient to determine the role of this variant in disease. Therefore, it has been classified as a Variant of Uncertain Significance. Advanced modeling of protein sequence and biophysical properties (such as structural, functional, and spatial information, amino acid conservation, physicochemical variation, residue mobility, and thermodynamic stability) performed at Invitae indicates that this missense variant is expected to disrupt PDGFRA protein function. This variant has not been reported in the literature in individuals affected with PDGFRA-related conditions. This variant is not present in population databases (gnomAD no frequency). This sequence change replaces glycine, which is neutral and non-polar, with aspartic acid, which is acidic and polar, at codon 838 of the PDGFRA protein (p.Gly838Asp).

NM_006206.6(PDGFRA):c.2513G>A (p.Gly838Asp)

Gene: PDGFRA (platelet derived growth factor receptor alpha; plus strand). Cytogenetic location: 4q12.
Variant type: single nucleotide variant.
Coding change: c.2513G>A on transcript NM_006206.6 (MANE Select); coding-DNA position 2513, G replaced by A.
Protein change: p.Gly838Asp; replaces glycine 838 with aspartic acid.
Molecular consequence: missense variant.
Genome position (GRCh38, 1-based): chr4:54,285,914, G>A. VCF-style: chr4-54285914-G-A. GRCh37 (hg19) VCF-style: chr4-55152081-G-A.
Other names: c.2588G>A, p.Gly863Asp (NM_001347828.2); c.2513G>A, p.Gly838Asp (NM_001347829.2); c.2552G>A, p.Gly851Asp (NM_001347830.2); short protein forms G863D, G838D, G851D.
Identifiers: ClinVar variation 2858494 (VCV002858494.3), dbSNP rs2110337959, ClinGen allele CA356895008.
Genomic context (GRCh38, chr4:54,285,914, plus strand): 5'-ATCTGGCTGCTCGCAACGTCCTCCTGGCACAAGGAAAAATTGTGAAGATCTGTGACTTTG[G>A]CCTGGCCAGAGACATCATGCATGATTCGAACTATGTGTCGAAAGGCAGTGTACGTCCTCA-3'
Protein context (NP_006197.1, residues 828-848): QGKIVKICDF[Gly838Asp]LARDIMHDSN